The following is an entry in ClinVar:

ClinVar aggregate classification (germline): Uncertain significance (1 of 4 stars; one submission).

Allele frequency attached by ClinVar (database versions not stated): gnomAD exomes below 0.00001; TOPMed below 0.00001.
gnomAD v4.1: 1 of 1,608,050 alleles (0.000062%); highest among the groups gnomAD compares: Admixed American, 0.0017%; no homozygotes.

Submission:

Labcorp Genetics (formerly Invitae), Labcorp
Classification: Uncertain significance. Last evaluated: 2022-05-21. Review status: criteria provided, single submitter. Criteria: Invitae Variant Classification Sherloc (09022015). Collection method: clinical testing. Allele origin: germline.
Comment: This sequence change replaces isoleucine, which is neutral and non-polar, with threonine, which is neutral and polar, at codon 2480 of the HMCN1 protein (p.Ile2480Thr). In summary, the available evidence is currently insufficient to determine the role of this variant in disease. Therefore, it has been classified as a Variant of Uncertain Significance. Algorithms developed to predict the effect of missense changes on protein structure and function (SIFT, PolyPhen-2, Align-GVGD) all suggest that this variant is likely to be disruptive. This variant has not been reported in the literature in individuals affected with HMCN1-related conditions. This variant is not present in population databases (gnomAD no frequency).

NM_031935.3(HMCN1):c.7439T>C (p.Ile2480Thr)

Gene: HMCN1 (hemicentin 1; plus strand). Cytogenetic location: 1q31.1.
Variant type: single nucleotide variant.
Coding change: c.7439T>C on transcript NM_031935.3 (MANE Select); coding-DNA position 7439, T replaced by C.
Protein change: p.Ile2480Thr; replaces isoleucine 2480 with threonine.
Molecular consequence: missense variant.
Genome position (GRCh38, 1-based): chr1:186,062,526, T>C. VCF-style: chr1-186062526-T-C. GRCh37 (hg19) VCF-style: chr1-186031658-T-C.
Other names: short protein forms I2480T.
Identifiers: ClinVar variation 1943023 (VCV001943023.5), dbSNP rs1657772126, ClinGen allele CA343905128.